The following is an entry in ClinVar:

ClinVar aggregate classification (germline): Likely benign. Review status: criteria provided, multiple submitters, no conflicts (2 of 4 stars). 2 submissions from 2 submitters: Likely benign (2). Last evaluated 2025-05-26.

Submissions (2):

Labcorp Genetics (formerly Invitae), Labcorp
Classification: Likely benign. Last evaluated: 2025-05-26. Review status: criteria provided, single submitter. Criteria: Invitae Variant Classification Sherloc (09022015). Collection method: clinical testing. Allele origin: germline.

GeneDx
Classification: Likely benign. Last evaluated: 2019-05-28. Review status: criteria provided, single submitter. Criteria: GeneDx Variant Classification Process June 2021. Collection method: clinical testing. Allele origin: germline. Affected: yes.
Comment: In silico analysis, which includes protein predictors and evolutionary conservation, supports that this variant does not alter protein structure/function; Has not been previously published as pathogenic or benign to our knowledge

NM_000260.4(MYO7A):c.47_48inv (p.Leu16Ser)

Gene: MYO7A (myosin VIIA; plus strand). Cytogenetic location: 11q13.5.
Variant type: Inversion.
Coding change: c.47_48inv on transcript NM_000260.4 (MANE Select).
Protein change: p.Leu16Ser; replaces leucine 16 with serine.
Molecular consequence: missense variant.
Genome position: GRCh38 VCF-style: chr11-77142737-TG-CA. GRCh37 (hg19) VCF-style: chr11-76853783-TG-CA.
Other names: c.47_48inv, p.Leu16Ser (NM_001127180.2); c.14_15inv, p.Leu5Ser (NM_001369365.1); short protein forms L16S, L5S.
Identifiers: ClinVar variation 1139067 (VCV001139067.11), ClinGen allele CA2499221303.
Genomic context (GRCh38, chr11:77,142,737, plus strand): 5'-TCACCTGGGCTGAGACTCTCTCTCGCCCATAGGGGGACCATGTGTGGATGGACCTGAGAT[TG>CA]GGGCAGGAGTTCGACGTGCCCATCGGGGCGGTGGTGAAGCTCTGCGACTCTGGGCAGGTC-3'
Protein context (NP_000251.3, residues 6-26): QGDHVWMDLR[Leu16Ser]GQEFDVPIGA